The following is an entry in ClinVar:

NM_001848.3(COL6A1):c.1468A>G (p.Arg490Gly)

Gene: COL6A1 (collagen type VI alpha 1 chain; plus strand). Cytogenetic location: 21q22.3.
Variant type: single nucleotide variant.
Coding change: c.1468A>G on transcript NM_001848.3 (MANE Select); coding-DNA position 1468, A replaced by G.
Protein change: p.Arg490Gly; replaces arginine 490 with glycine.
Molecular consequence: missense variant.
Genome position (GRCh38, 1-based): chr21:45,997,706, A>G. VCF-style: chr21-45997706-A-G. GRCh37 (hg19) VCF-style: chr21-47417620-A-G.
Other names: short protein forms R490G.
Identifiers: ClinVar variation 1045387 (VCV001045387.11), dbSNP rs2077813854, ClinGen allele CA410528658.

ClinVar aggregate classification (germline): Uncertain significance (1 of 4 stars; one submission).

Conditions:
Bethlem myopathy 1A. Also called: Bethlem Muscular Dystrophy; MYOPATHY, BENIGN CONGENITAL, WITH CONTRACTURES; Bethlem myopathy 1. Identifiers: Orphanet 610, MedGen CN029274, MONDO:0024530, OMIM 158810.

Allele frequency attached by ClinVar (database versions not stated): TOPMed below 0.00001; gnomAD 0.00001; gnomAD exomes 0.00001.
gnomAD v4.1: 15 of 1,590,898 alleles (0.00094%); highest among the groups gnomAD compares: Non-Finnish European, 0.0012%; no homozygotes.

Submission:

Labcorp Genetics (formerly Invitae), Labcorp
Classification: Uncertain significance for Bethlem myopathy 1A. Last evaluated: 2021-07-26. Review status: criteria provided, single submitter. Criteria: Invitae Variant Classification Sherloc (09022015). Collection method: clinical testing. Allele origin: germline.
Comment: This sequence change replaces arginine with glycine at codon 490 of the COL6A1 protein (p.Arg490Gly). The arginine residue is moderately conserved and there is a moderate physicochemical difference between arginine and glycine. This variant is not present in population databases (ExAC no frequency). In summary, the available evidence is currently insufficient to determine the role of this variant in disease. Therefore, it has been classified as a Variant of Uncertain Significance. Advanced modeling of protein sequence and biophysical properties (such as structural, functional, and spatial information, amino acid conservation, physicochemical variation, residue mobility, and thermodynamic stability) performed at Invitae indicates that this missense variant is not expected to disrupt COL6A1 protein function. This variant has not been reported in the literature in individuals with COL6A1-related conditions.